The following is an entry in ClinVar:

NM_000091.5(COL4A3):c.976G>T (p.Asp326Tyr)

Genes: COL4A3 (collagen type IV alpha 3 chain; plus strand), MFF-DT (MFF divergent transcript; minus strand). Cytogenetic location: 2q36.3.
Variant type: single nucleotide variant.
Coding change: c.976G>T on transcript NM_000091.5 (MANE Select); coding-DNA position 976, G replaced by T.
Protein change: p.Asp326Tyr; replaces aspartic acid 326 with tyrosine.
Molecular consequence: missense variant.
Genome position (GRCh38, 1-based): chr2:227,256,385, G>T. VCF-style: chr2-227256385-G-T. GRCh37 (hg19) VCF-style: chr2-228121101-G-T.
Other names: short protein forms D326Y.
Identifiers: ClinVar variation 255010 (VCV000255010.26), dbSNP rs55703767, ClinGen allele CA2146452.
Genomic context (GRCh38, chr2:227,256,385, plus strand): 5'-TTTTGTTCTTTTCTTTAGGGAGTCAAGGGCAACAGGGGTTTCCCTGGGTTAATGGGTGAA[G>T]ATGGCATTAAGGTAATCCTCTCCCTAATAGCCTATTTTAATAGGTTGGGTTTTGCCTGTG-3'
Protein context (NP_000082.2, residues 316-336): NRGFPGLMGE[Asp326Tyr]GIKGQKGDIG

ClinVar aggregate classification (germline): Benign. Review status: criteria provided, multiple submitters, no conflicts (2 of 4 stars). 12 submissions from 12 submitters: Benign (11). 1 of the submissions does not count toward it. Last evaluated 2026-02-04.

Conditions:
Alport syndrome. Also called: Hemorrhagic familial nephritis; Hemorrhagic hereditary nephritis; Congenital hereditary hematuria. Identifiers: Orphanet 63, MedGen C1567741, MONDO:0018965.
Autosomal recessive Alport syndrome (ATS2). Also called: ALPORT SYNDROME 2, AUTOSOMAL RECESSIVE; Alport syndrome type 2; COL4A4 Alport Syndrome and Thin Basement Membrane Nephropathy; COL4A3-Related Nephropathy. Identifiers: Orphanet 63, Orphanet 88919, MedGen C4746745, MONDO:0008762, OMIM 203780.

Allele frequency attached by ClinVar (database versions not stated): 1000 Genomes Project 0.11581; 1000 Genomes Project 30x 0.11633; TOPMed 0.14800; gnomAD 0.15250 and 0.15364; ESP Exome Variant Server 0.16577; ExAC 0.16675.
gnomAD v4.1: 307,921 of 1,610,916 alleles (19%); highest among the groups gnomAD compares: Middle Eastern, 21%; 31,711 homozygotes.

Submissions (12):

Labcorp Genetics (formerly Invitae), Labcorp
Classification: Benign. Last evaluated: 2026-02-04. Review status: criteria provided, single submitter. Criteria: Invitae Variant Classification Sherloc (09022015). Collection method: clinical testing. Allele origin: germline.

Blueprint Genetics
Classification: Benign. Last evaluated: 2024-11-26. Review status: criteria provided, single submitter. Criteria: ACMG Guidelines, 2015. Collection method: clinical testing. Allele origin: germline.

Unidad de Genómica Garrahan, Hospital de Pediatría Garrahan
Classification: Benign. Last evaluated: 2024-07-15. Review status: criteria provided, single submitter. Criteria: ACMG Guidelines, 2015. Collection method: clinical testing. Allele origin: germline. Affected: no. Observed: 20 variant alleles.
Comment: This variant is classified as Benign based on local population frequency. This variant was detected in 22% of patients studied in a panel designed for Epileptic and Developmental Encephalopathy and Progressive Myoclonus Epilepsy. Number of patients: 20. Only high quality variants are reported.

Mayo Clinic Laboratories, Mayo Clinic
Classification: Benign. Last evaluated: 2022-09-27. Review status: criteria provided, single submitter. Criteria: ACMG Guidelines, 2015. Collection method: clinical testing. Allele origin: germline. Observed: 108 variant alleles.
Comment: BA1, BP4

Genome-Nilou Lab
Classification: Benign for Autosomal recessive Alport syndrome. Last evaluated: 2021-06-10. Review status: criteria provided, single submitter. Criteria: ACMG Guidelines, 2015. Collection method: clinical testing. Allele origin: germline. Affected: no.

Athena Diagnostics
Classification: Benign. Last evaluated: 2021-04-22. Review status: criteria provided, single submitter. Criteria: Athena Diagnostics Criteria. Collection method: clinical testing. Allele origin: unknown.

Illumina Laboratory Services, Illumina
Classification: Benign for Alport syndrome. Last evaluated: 2018-01-12. Review status: criteria provided, single submitter. Criteria: ICSL Variant Classification Criteria 13 December 2019. Collection method: clinical testing. Allele origin: germline.
Comment: This variant was observed in the ICSL laboratory as part of a predisposition screen in an ostensibly healthy population. It had not been previously curated by ICSL or reported in the Human Gene Mutation Database (HGMD: prior to June 1st, 2018), and was therefore a candidate for classification through an automated scoring system. Utilizing variant allele frequency, disease prevalence and penetrance estimates, and inheritance mode, an automated score was calculated to assess if this variant is too frequent to cause the disease. Based on the score and internal cut-off values, a variant classified as benign is not then subjected to further curation. The score for this variant resulted in a classification of benign for this disease.

GeneDx
Classification: Benign. Last evaluated: 2017-05-09. Review status: criteria provided, single submitter. Criteria: GeneDx Variant Classification (06012015). Collection method: clinical testing. Allele origin: germline. Affected: yes.
Comment: This variant is considered likely benign or benign based on one or more of the following criteria: it is a conservative change, it occurs at a poorly conserved position in the protein, it is predicted to be benign by multiple in silico algorithms, and/or has population frequency not consistent with disease.

Laboratory for Molecular Medicine, Mass General Brigham Personalized Medicine
Classification: Benign. Last evaluated: 2016-03-21. Review status: criteria provided, single submitter. Criteria: LMM Criteria. Collection method: clinical testing. Allele origin: germline. Observed: 90 variant alleles.
Comment: p.Asp326Tyr in exon 17 of COL4A3: This variant is not expected to have clinical significance because it has been identified in 21.64% (14422/66634) of European chromosomes by the Exome Aggregation Consortium (ExAC; dbSNP rs55703767).

Breakthrough Genomics
Classification: Benign. Review status: criteria provided, single submitter. Criteria: ACMG Guidelines, 2015. Collection method: not provided. Allele origin: germline. Inheritance: Autosomal recessive inheritance. Affected: yes.

PreventionGenetics, part of Exact Sciences
Classification: Benign. Review status: criteria provided, single submitter. Criteria: ACMG Guidelines, 2015. Collection method: clinical testing. Allele origin: germline.

Natera, Inc.
Classification: Benign for Alport syndrome. Last evaluated: 2020-09-16. Review status: no assertion criteria provided. Collection method: clinical testing. Allele origin: germline. Not counted in ClinVar's aggregate classification.